The following is an entry in ClinVar:

ClinVar aggregate classification (germline): Conflicting classifications of pathogenicity. Review status: criteria provided, conflicting classifications (1 of 4 stars). 7 submissions from 7 submitters: Uncertain significance (6); Likely benign (1). Last evaluated 2025-09-30.

Conditions:
Inborn genetic diseases. Identifiers: MedGen C0950123, MeSH D030342.
Developmental and epileptic encephalopathy, 12 (DEE12). Identifiers: MedGen C3150988, MONDO:0013389, OMIM 613722.
Microcephaly, seizures, and developmental delay. Identifiers: Orphanet 1934, MedGen C3150667, MONDO:0013254, OMIM 613402.

Allele frequency attached by ClinVar (database versions not stated): gnomAD 0.00002 and 0.00003; TOPMed 0.00008; gnomAD exomes 0.00015; ESP Exome Variant Server 0.00031.
gnomAD v4.1: 122 of 1,613,988 alleles (0.0076%); highest among the groups gnomAD compares: South Asian, 0.025%; no homozygotes.

Submissions (7):

Labcorp Genetics (formerly Invitae), Labcorp
Classification: Likely benign for Developmental and epileptic encephalopathy, 12. Last evaluated: 2025-09-30. Review status: criteria provided, single submitter. Criteria: Invitae Variant Classification Sherloc (09022015). Collection method: clinical testing. Allele origin: germline.

Blueprint Genetics
Classification: Uncertain significance. Last evaluated: 2024-08-26. Review status: criteria provided, single submitter. Criteria: ACMG Guidelines, 2015. Collection method: clinical testing. Allele origin: germline.

GeneDx
Classification: Uncertain significance. Last evaluated: 2024-08-16. Review status: criteria provided, single submitter. Criteria: GeneDx Variant Classification Process June 2021. Collection method: clinical testing. Allele origin: germline. Affected: yes.
Comment: In silico analysis supports that this missense variant has a deleterious effect on protein structure/function; Has not been previously published as pathogenic or benign to our knowledge; This variant is associated with the following publications: (PMID: 22508754)

New York Genome Center
Classification: Uncertain significance for Microcephaly, seizures, and developmental delay. Last evaluated: 2020-05-15. Review status: criteria provided, single submitter. Criteria: NYGC Assertion Criteria 2020. Collection method: clinical testing. Allele origin: germline. Observed: 1 heterozygote. Study: CSER-NYCKidSeq.

Illumina Laboratory Services, Illumina
Classification: Uncertain significance for Microcephaly, seizures, and developmental delay. Last evaluated: 2018-01-13. Review status: criteria provided, single submitter. Criteria: ICSL Variant Classification Criteria 13 December 2019. Collection method: clinical testing. Allele origin: germline.

Ambry Genetics
Classification: Uncertain significance for Inborn genetic diseases. Last evaluated: 2017-01-19. Review status: criteria provided, single submitter. Criteria: Ambry Variant Classification Scheme 2023. Collection method: clinical testing. Allele origin: germline.
Comment: The p.G225R variant (also known as c.673G>A), located in coding exon 6 of the PNKP gene, results from a G to A substitution at nucleotide position 673. The glycine at codon 225 is replaced by arginine, an amino acid with dissimilar properties. This amino acid position is well conserved in available vertebrate species. In addition, this alteration is predicted to be tolerated by in silico analysis. Since supporting evidence is limited at this time, the clinical significance of this alteration remains unclear.

Eurofins Ntd Llc (ga)
Classification: Uncertain significance. Last evaluated: 2016-03-10. Review status: criteria provided, single submitter. Criteria: EGL Classification Definitions 2015. Collection method: clinical testing. Allele origin: germline. Observed: 1 variant allele, 1 heterozygote.

NM_007254.4(PNKP):c.673G>A (p.Gly225Arg)

Gene: PNKP (polynucleotide kinase 3'-phosphatase; minus strand). Cytogenetic location: 19q13.33.
Variant type: single nucleotide variant.
Coding change: c.673G>A on transcript NM_007254.4 (MANE Select); coding-DNA position 673, G replaced by A.
Protein change: p.Gly225Arg; replaces glycine 225 with arginine.
Molecular consequence: missense variant.
Genome position (GRCh38, 1-based): chr19:49,864,035, C>T on the plus strand (G>A on the coding strand, the complement: PNKP is on the minus strand). VCF-style: chr19-49864035-C-T. GRCh37 (hg19) VCF-style: chr19-50367292-C-T.
Other names: p.G225R:GGG>AGG; short protein forms G225R.
Identifiers: ClinVar variation 206392 (VCV000206392.26), dbSNP rs144257114, ClinGen allele CA316464.